The following is an entry in ClinVar:

ClinVar aggregate classification (germline): Uncertain significance. Review status: criteria provided, multiple submitters, no conflicts (2 of 4 stars). 2 submissions from 2 submitters: Uncertain significance (2). Last evaluated 2024-02-24.

Allele frequency attached by ClinVar (database versions not stated): TOPMed below 0.00001; gnomAD 0.00001; gnomAD exomes 0.00001.

Submissions (2):

Labcorp Genetics (formerly Invitae), Labcorp
Classification: Uncertain significance. Last evaluated: 2024-02-24. Review status: criteria provided, single submitter. Criteria: Invitae Variant Classification Sherloc (09022015). Collection method: clinical testing. Allele origin: germline.
Comment: This sequence change replaces alanine, which is neutral and non-polar, with threonine, which is neutral and polar, at codon 363 of the BRPF1 protein (p.Ala363Thr). This variant is not present in population databases (gnomAD no frequency). This missense change has been observed in individual(s) with BRPF1-related conditions (PMID: 33004838). ClinVar contains an entry for this variant (Variation ID: 2098200). Advanced modeling of protein sequence and biophysical properties (such as structural, functional, and spatial information, amino acid conservation, physicochemical variation, residue mobility, and thermodynamic stability) has been performed at Invitae for this missense variant, however the output from this modeling did not meet the statistical confidence thresholds required to predict the impact of this variant on BRPF1 protein function. In summary, the available evidence is currently insufficient to determine the role of this variant in disease. Therefore, it has been classified as a Variant of Uncertain Significance.

GeneDx
Classification: Uncertain significance. Last evaluated: 2023-12-01. Review status: criteria provided, single submitter. Criteria: GeneDx Variant Classification Process June 2021. Collection method: clinical testing. Allele origin: germline. Affected: yes.
Comment: Reported previously in a patient with developmental delay; segregation studies unavailable (PMID: 33004838); Not observed at significant frequency in large population cohorts (gnomAD); In silico analysis supports that this missense variant has a deleterious effect on protein structure/function; This variant is associated with the following publications: (PMID: 33004838)

Literature cited by the submitters: PubMed 33004838 (cited by Labcorp Genetics (formerly Invitae), Labcorp).

NM_001003694.2(BRPF1):c.1087G>A (p.Ala363Thr)

Gene: BRPF1 (bromodomain and PHD finger containing 1; plus strand). Cytogenetic location: 3p25.3.
Variant type: single nucleotide variant.
Coding change: c.1087G>A on transcript NM_001003694.2 (MANE Select); coding-DNA position 1087, G replaced by A.
Protein change: p.Ala363Thr; replaces alanine 363 with threonine.
Molecular consequence: missense variant. On other transcripts: non-coding transcript variant (1).
Genome position (GRCh38, 1-based): chr3:9,739,486, G>A. VCF-style: chr3-9739486-G-A. GRCh37 (hg19) VCF-style: chr3-9781170-G-A.
Other names: c.1087G>A (NM_001003694.1); c.1087G>A, p.Ala363Thr (NM_001319049.2, NM_001319050.2, NM_001410704.1 and 1 more transcripts); short protein forms A363T.
Identifiers: ClinVar variation 2098200 (VCV002098200.5), dbSNP rs2076993686, ClinGen allele CA351686655.